The following is an entry in ClinVar:

NM_015386.3(COG4):c.1597T>G (p.Phe533Val)

Gene: COG4 (component of oligomeric golgi complex 4; minus strand). Cytogenetic location: 16q22.1.
Variant type: single nucleotide variant.
Coding change: c.1597T>G on transcript NM_015386.3 (MANE Select); coding-DNA position 1597, T replaced by G.
Protein change: p.Phe533Val; replaces phenylalanine 533 with valine.
Molecular consequence: missense variant. On other transcripts: non-coding transcript variant (1).
Genome position (GRCh38, 1-based): chr16:70,496,316, A>C on the plus strand (T>G on the coding strand, the complement: COG4 is on the minus strand). VCF-style: chr16-70496316-A-C. GRCh37 (hg19) VCF-style: chr16-70530219-A-C.
Other names: c.1585T>G, p.Phe529Val (NM_001195139.2); c.1171T>G, p.Phe391Val (NM_001365426.1); short protein forms F391V, F529V, F533V.
Identifiers: ClinVar variation 4688750 (VCV004688750.1).

ClinVar aggregate classification (germline): Uncertain significance (1 of 4 stars; one submission).

gnomAD v4.1: 4 of 1,614,120 alleles (0.00025%); highest among the groups gnomAD compares: Non-Finnish European, 0.00025%; no homozygotes.

Submission:

Women's Health and Genetics/Laboratory Corporation of America, LabCorp
Classification: Uncertain significance. Last evaluated: 2025-12-29. Review status: criteria provided, single submitter. Criteria: LabCorp Variant Classification Summary - May 2015. Collection method: clinical testing. Allele origin: germline.
Comment: Variant summary: COG4 c.1597T>G (p.Phe533Val) results in a non-conservative amino acid change in the encoded protein sequence. Algorithms developed to predict the effect of missense changes on protein structure and function are either unavailable or do not agree on the potential impact of this missense change. The variant allele was found at a frequency of 8e-06 in 251478 control chromosomes. The available data on variant occurrences in the general population are insufficient to allow any conclusion about variant significance. To our knowledge, no occurrence of c.1597T>G in individuals affected with COG4-related conditions and no experimental evidence demonstrating its impact on protein function have been reported. No submitters have cited clinical-significance assessments for this variant to ClinVar. Based on the evidence outlined above, the variant was classified as uncertain significance.